The following is an entry in ClinVar:

NM_001353921.2(ARHGEF9):c.30+29959G>A

Genes: ARHGEF9 (Cdc42 guanine nucleotide exchange factor 9; minus strand), LOC121627974 (Sharpr-MPRA regulatory region 13270; plus strand). Cytogenetic location: Xq11.1.
Variant type: single nucleotide variant.
Coding change: c.30+29959G>A on transcript NM_001353921.2 (MANE Select); 29959 bases into the intron after coding-DNA position 30, G replaced by A.
Molecular consequence: intron variant. On other transcripts: splice donor variant (1).
Genome position (GRCh38, 1-based): chrX:63,755,157, C>T on the plus strand (G>A on the coding strand, the complement: ARHGEF9 is on the minus strand). VCF-style: chrX-63755157-C-T. GRCh37 (hg19) VCF-style: chrX-62975037-C-T.
Other names: c.30+29959G>A (NM_001173479.2, NM_001353922.2); c.-55+677G>A (NM_001369043.1, NM_001330495.2); c.48+1G>A (NM_001353923.1).
Identifiers: ClinVar variation 2637150 (VCV002637150.1), dbSNP rs2055885954, ClinGen allele CA1133618835.

ClinVar aggregate classification (germline): Uncertain significance (1 of 4 stars; one submission).

Conditions:
ARHGEF9-related disorder. Also called: ARHGEF9-related condition.

Allele frequency attached by ClinVar (database versions not stated): gnomAD 0.00001.
gnomAD v4.1: 10 of 937,598 alleles (0.0011%); highest among the groups gnomAD compares: South Asian, 0.053%; no homozygotes.

Submission:

PreventionGenetics, part of Exact Sciences
Classification: Uncertain significance for ARHGEF9-related condition. Last evaluated: 2023-01-21. Review status: criteria provided, single submitter. Criteria: ACMG Guidelines, 2015. Collection method: clinical testing. Allele origin: germline.
Comment: The ARHGEF9 c.48+1G>A variant is predicted to disrupt the GT donor site and interfere with normal splicing. This variant is called in an alternate transcript with no evidence for expression or clinical relevance (NM_001353923.1). In the primary transcript, this variant resides upstream of the gene, in the pre-coding region (NM_015185.2:c.-845G>A). To our knowledge, this variant has not been reported in the literature or in a large population database, indicating this variant is rare. At this time, the clinical significance of this variant is uncertain due to the absence of conclusive functional and genetic evidence.